The following is an entry in ClinVar:

ClinVar aggregate classification (germline): Uncertain significance (1 of 4 stars; one submission).

Submission:

GeneDx
Classification: Uncertain significance. Last evaluated: 2024-05-29. Review status: criteria provided, single submitter. Criteria: GeneDx Variant Classification Process June 2021. Collection method: clinical testing. Allele origin: germline. Affected: yes.
Comment: Not observed at significant frequency in large population cohorts (gnomAD); Nonsense variant predicted to result in protein truncation or nonsense mediated decay in a gene or region of a gene for which loss of function is not a well-established mechanism of disease; Has not been previously published as pathogenic or benign to our knowledge

NM_001394062.1(MACF1):c.12205G>T (p.Glu4069Ter)

Genes: MACF1 (microtubule actin crosslinking factor 1; plus strand), LOC126805711 (CDK7 strongly-dependent group 2 enhancer GRCh37_chr1:39824023-39825222; plus strand). Cytogenetic location: 1p34.3.
Variant type: single nucleotide variant.
Coding change: c.12205G>T on transcript NM_001394062.1 (MANE Select); coding-DNA position 12205, G replaced by T.
Protein change: p.Glu4069Ter; replaces glutamic acid 4069 with a stop codon.
Molecular consequence: nonsense.
Genome position (GRCh38, 1-based): chr1:39,359,225, G>T. VCF-style: chr1-39359225-G-T. GRCh37 (hg19) VCF-style: chr1-39824897-G-T.
Other names: c.6019G>T, p.Glu2007Ter (NM_012090.5); short protein forms E2007*, E4069*.
Identifiers: ClinVar variation 3383556 (VCV003383556.1).